The following is an entry in ClinVar:

ClinVar aggregate classification (germline): Uncertain significance (1 of 4 stars; one submission).

Conditions:
Chédiak-Higashi syndrome (CHS). Also called: Chediak-Higashi Syndrome. Identifiers: Orphanet 167, MedGen C0007965, MONDO:0008963, OMIM 214500.

Allele frequency attached by ClinVar (database versions not stated): TOPMed 0.00002.

Submission:

Labcorp Genetics (formerly Invitae), Labcorp
Classification: Uncertain significance for Chédiak-Higashi syndrome. Last evaluated: 2022-08-21. Review status: criteria provided, single submitter. Criteria: Invitae Variant Classification Sherloc (09022015). Collection method: clinical testing. Allele origin: germline.
Comment: In summary, the available evidence is currently insufficient to determine the role of this variant in disease. Therefore, it has been classified as a Variant of Uncertain Significance. Algorithms developed to predict the effect of missense changes on protein structure and function are either unavailable or do not agree on the potential impact of this missense change (SIFT: "Tolerated"; PolyPhen-2: "Possibly Damaging"; Align-GVGD: "Class C0"). This variant has not been reported in the literature in individuals affected with LYST-related conditions. This variant is not present in population databases (gnomAD no frequency). This sequence change replaces glutamine, which is neutral and polar, with glutamic acid, which is acidic and polar, at codon 378 of the LYST protein (p.Gln378Glu).

NM_000081.4(LYST):c.1132C>G (p.Gln378Glu)

Gene: LYST (lysosomal trafficking regulator; minus strand). Cytogenetic location: 1q42.3.
Variant type: single nucleotide variant.
Coding change: c.1132C>G on transcript NM_000081.4 (MANE Select); coding-DNA position 1132, C replaced by G.
Protein change: p.Gln378Glu; replaces glutamine 378 with glutamic acid.
Molecular consequence: missense variant.
Genome position (GRCh38, 1-based): chr1:235,809,686, G>C on the plus strand (C>G on the coding strand, the complement: LYST is on the minus strand). VCF-style: chr1-235809686-G-C. GRCh37 (hg19) VCF-style: chr1-235972986-G-C.
Other names: c.1132C>G, p.Gln378Glu (NM_001301365.1); short protein forms Q378E.
Identifiers: ClinVar variation 2063438 (VCV002063438.4), dbSNP rs1024863831, ClinGen allele CA39617988.